The following is an entry in ClinVar:

ClinVar aggregate classification (germline): Uncertain significance (1 of 4 stars; one submission).

Conditions:
Paroxysmal nonkinesigenic dyskinesia. Also called: Paroxysmal non-kinesigenic dyskinesia. Identifiers: Orphanet 98810, MedGen C1869117, MONDO:0700088.

Allele frequency attached by ClinVar (database versions not stated): gnomAD exomes below 0.00001 and 0.00001; ExAC 0.00001; gnomAD 0.00001 and 0.00002.
gnomAD v4.1: 8 of 1,612,286 alleles (0.0005%); highest among the groups gnomAD compares: Non-Finnish European, 0.00068%; no homozygotes.

Submission:

Labcorp Genetics (formerly Invitae), Labcorp
Classification: Uncertain significance for Paroxysmal nonkinesigenic dyskinesia. Last evaluated: 2024-11-21. Review status: criteria provided, single submitter. Criteria: Invitae Variant Classification Sherloc (09022015). Collection method: clinical testing. Allele origin: germline.
Comment: This sequence change replaces arginine, which is basic and polar, with histidine, which is basic and polar, at codon 103 of the PNKD protein (p.Arg103His). This variant is present in population databases (rs768336954, gnomAD 0.003%). This variant has not been reported in the literature in individuals affected with PNKD-related conditions. ClinVar contains an entry for this variant (Variation ID: 1016709). Invitae Evidence Modeling of protein sequence and biophysical properties (such as structural, functional, and spatial information, amino acid conservation, physicochemical variation, residue mobility, and thermodynamic stability) indicates that this missense variant is not expected to disrupt PNKD protein function with a negative predictive value of 80%. In summary, the available evidence is currently insufficient to determine the role of this variant in disease. Therefore, it has been classified as a Variant of Uncertain Significance.

NM_015488.5(PNKD):c.308G>A (p.Arg103His)

Genes: PNKD (PNKD metallo-beta-lactamase domain containing; plus strand), CATIP-AS2 (CATIP antisense RNA 2; minus strand). Cytogenetic location: 2q35.
Variant type: single nucleotide variant.
Coding change: c.308G>A on transcript NM_015488.5 (MANE Select); coding-DNA position 308, G replaced by A.
Protein change: p.Arg103His; replaces arginine 103 with histidine.
Molecular consequence: missense variant.
Genome position (GRCh38, 1-based): chr2:218,339,854, G>A. VCF-style: chr2-218339854-G-A. GRCh37 (hg19) VCF-style: chr2-219204577-G-A.
Other names: c.236G>A, p.Arg79His (NM_022572.5); short protein forms R103H, R79H.
Identifiers: ClinVar variation 1016709 (VCV001016709.8), dbSNP rs768336954, ClinGen allele CA2103890.